The following is an entry in ClinVar:

NM_001005242.3(PKP2):c.2284A>C (p.Ser762Arg)

Gene: PKP2 (plakophilin 2; minus strand). Cytogenetic location: 12p11.21.
Variant type: single nucleotide variant.
Coding change: c.2284A>C on transcript NM_001005242.3 (MANE Select); coding-DNA position 2284, A replaced by C.
Protein change: p.Ser762Arg; replaces serine 762 with arginine.
Molecular consequence: missense variant. On other transcripts: intron variant (2).
Genome position (GRCh38, 1-based): chr12:32,796,182, T>G on the plus strand (A>C on the coding strand, the complement: PKP2 is on the minus strand). VCF-style: chr12-32796182-T-G. GRCh37 (hg19) VCF-style: chr12-32949116-T-G.
Other names: c.2119A>C, p.Ser707Arg (NM_001407156.1); c.1957A>C, p.Ser653Arg (NM_001407158.1, NM_001407159.1); c.2416A>C, p.Ser806Arg (NM_004572.4); c.2168-3451A>C (NM_001407155.1); c.1841-3451A>C (NM_001407160.1); short protein forms S806R, S762R, S653R, S707R.
Identifiers: ClinVar variation 3933317 (VCV003933317.1).

ClinVar aggregate classification (germline): Uncertain significance (1 of 4 stars; one submission).

Conditions:
Cardiovascular phenotype. Identifiers: MedGen CN230736.

Submission:

Ambry Genetics
Classification: Uncertain significance for Cardiovascular phenotype. Last evaluated: 2025-04-19. Review status: criteria provided, single submitter. Criteria: Ambry Variant Classification Scheme 2023. Collection method: clinical testing. Allele origin: germline.
Comment: The p.S806R variant (also known as c.2416A>C), located in coding exon 12 of the PKP2 gene, results from an A to C substitution at nucleotide position 2416. The serine at codon 806 is replaced by arginine, an amino acid with dissimilar properties. This amino acid position is conserved. In addition, the in silico prediction for this alteration is inconclusive. Based on the available evidence, the clinical significance of this variant remains unclear.